The following is an entry in ClinVar:

NM_000804.4(FOLR3):c.54T>A (p.Ala18=)

Gene: FOLR3 (folate receptor gamma; plus strand). Cytogenetic location: 11q13.4.
Variant type: single nucleotide variant.
Coding change: c.54T>A on transcript NM_000804.4 (MANE Select); coding-DNA position 54, T replaced by A.
Protein change: p.Ala18=; no amino-acid change (alanine 18 retained).
Molecular consequence: synonymous variant. On other transcripts: non-coding transcript variant (1).
Genome position (GRCh38, 1-based): chr11:72,136,006, T>A. VCF-style: chr11-72136006-T-A. GRCh37 (hg19) VCF-style: chr11-71847052-T-A.
Identifiers: ClinVar variation 4988930 (VCV004988930.1).

ClinVar aggregate classification (germline): Likely benign (1 of 4 stars; one submission).

Conditions:
FOLR3-related disorder. Also called: FOLR3-related condition.

gnomAD v4.1: 10 of 1,613,790 alleles (0.00062%); highest among the groups gnomAD compares: African/African-American, 0.012%; no homozygotes.

Submission:

PreventionGenetics, part of Exact Sciences
Classification: Likely benign for FOLR3-related condition. Last evaluated: 2026-05-13. Review status: criteria provided, single submitter. Criteria: ACMG Guidelines, 2015. Collection method: clinical testing. Allele origin: germline.
Comment: This variant is classified as likely benign based on ACMG/AMP sequence variant interpretation guidelines (Richards et al. 2015 PMID: 25741868, with internal and published modifications).